The following is an entry in ClinVar:

ClinVar aggregate classification (germline): Uncertain significance. Review status: criteria provided, multiple submitters, no conflicts (2 of 4 stars). 6 submissions from 6 submitters: Uncertain significance (6). Last evaluated 2025-10-28.

Conditions:
Inborn genetic diseases. Identifiers: MedGen C0950123, MeSH D030342.
Pyruvate kinase deficiency of red cells (CNSHA2). Also called: PK DEFICIENCY; PYRUVATE KINASE DEFICIENCY OF ERYTHROCYTE; Pyruvate kinase deficiency, Amish type. Identifiers: Orphanet 766, MedGen C0340968, MONDO:0009950, OMIM 266200.

Allele frequency attached by ClinVar (database versions not stated): ESP Exome Variant Server 0.00046; TOPMed 0.00057.
gnomAD v4.1: 1,448 of 1,609,646 alleles (0.09%); highest among the groups gnomAD compares: Non-Finnish European, 0.12%; no homozygotes.

Submissions (6):

Mayo Clinic Laboratories, Mayo Clinic
Classification: Uncertain significance. Last evaluated: 2025-10-28. Review status: criteria provided, single submitter. Criteria: ACMG Guidelines, 2015. Collection method: clinical testing. Allele origin: germline. Observed: 6 variant alleles.

ARUP Laboratories, Molecular Genetics and Genomics, ARUP Laboratories
Classification: Uncertain significance. Last evaluated: 2025-06-13. Review status: criteria provided, single submitter. Criteria: ARUP Molecular Germline Variant Investigation Process 2024. Collection method: clinical testing. Allele origin: germline.
Comment: The PKLR c.505G>T; p.Gly169Trp variant (rs199824528, ClinVar Variation ID: 875546)), to our knowledge, is not reported in the medical literature or gene specific databases. This variant is found predominantly in the non-Finnish European population with an allele frequency of 0.1% (120/119234 alleles) in the Genome Aggregation Database (v2.1.1). Computational analyses predict that this variant is deleterious (REVEL: 0.787). However, given the lack of clinical and functional data, the significance of this variant is uncertain at this time.

Revvity Omics, Revvity
Classification: Uncertain significance. Last evaluated: 2025-01-22. Review status: criteria provided, single submitter. Criteria: ACMG Guidelines, 2015. Collection method: clinical testing. Allele origin: germline.

GeneDx
Classification: Uncertain significance. Last evaluated: 2022-12-08. Review status: criteria provided, single submitter. Criteria: GeneDx Variant Classification Process June 2021. Collection method: clinical testing. Allele origin: germline. Affected: yes.
Comment: In silico analysis supports that this missense variant has a deleterious effect on protein structure/function; Has not been previously published as pathogenic or benign to our knowledge

Ambry Genetics
Classification: Uncertain significance for Inborn genetic diseases. Last evaluated: 2022-11-18. Review status: criteria provided, single submitter. Criteria: Ambry Variant Classification Scheme 2023. Collection method: clinical testing. Allele origin: germline.

Illumina Laboratory Services, Illumina
Classification: Uncertain significance for Pyruvate kinase deficiency of red cells. Last evaluated: 2018-01-13. Review status: criteria provided, single submitter. Criteria: ICSL Variant Classification Criteria 13 December 2019. Collection method: clinical testing. Allele origin: germline.

Literature cited by the submitters: PubMed 29590070 (cited by Mayo Clinic Laboratories, Mayo Clinic).

NM_000298.6(PKLR):c.505G>T (p.Gly169Trp)

Gene: PKLR (pyruvate kinase L/R; minus strand). Cytogenetic location: 1q22.
Variant type: single nucleotide variant.
Coding change: c.505G>T on transcript NM_000298.6 (MANE Select); coding-DNA position 505, G replaced by T.
Protein change: p.Gly169Trp; replaces glycine 169 with tryptophan.
Molecular consequence: missense variant.
Genome position (GRCh38, 1-based): chr1:155,295,439, C>A on the plus strand (G>T on the coding strand, the complement: PKLR is on the minus strand). VCF-style: chr1-155295439-C-A. GRCh37 (hg19) VCF-style: chr1-155265230-C-A.
Other names: p.Gly169Trp; c.412G>T, p.Gly138Trp (NM_181871.4); short protein forms G138W, G169W.
Identifiers: ClinVar variation 875546 (VCV000875546.20), dbSNP rs199824528, ClinGen allele CA1144325.